The following is an entry in ClinVar:

ClinVar aggregate classification (germline): Uncertain significance. Review status: criteria provided, multiple submitters, no conflicts (2 of 4 stars). 2 submissions from 2 submitters: Uncertain significance (2). Last evaluated 2026-02-03.

gnomAD v4.1: 9 of 1,607,790 alleles (0.00056%); highest among the groups gnomAD compares: African/African-American, 0.0067%; no homozygotes.

Submissions (2):

GeneDx
Classification: Uncertain significance. Last evaluated: 2026-02-03. Review status: criteria provided, single submitter. Criteria: GeneDx Variant Classification Process June 2021. Collection method: clinical testing. Allele origin: germline.
Comment: Not observed at significant frequency in large population cohorts (gnomAD); Has not been previously published as pathogenic or benign to our knowledge; In silico analysis suggests this variant may impact gene splicing. In the absence of RNA/functional studies, the actual effect of this sequence change is unknown.

Blueprint Genetics
Classification: Uncertain significance. Last evaluated: 2022-09-06. Review status: criteria provided, single submitter. Criteria: ACMG Guidelines, 2015. Collection method: clinical testing. Allele origin: germline.

NM_014946.4(SPAST):c.1005-5C>G

Gene: SPAST (spastin; plus strand). Cytogenetic location: 2p22.3.
Variant type: single nucleotide variant.
Coding change: c.1005-5C>G on transcript NM_014946.4 (MANE Select); 5 bases into the intron before coding-DNA position 1005, C replaced by G.
Molecular consequence: intron variant.
Genome position (GRCh38, 1-based): chr2:32,116,114, C>G. VCF-style: chr2-32116114-C-G. GRCh37 (hg19) VCF-style: chr2-32341183-C-G.
Other names: c.909-5C>G (NM_199436.2, NM_001377959.1); c.1002-5C>G (NM_001363823.2); c.906-5C>G (NM_001363875.2).
Identifiers: ClinVar variation 4954577 (VCV004954577.2).